The following is an entry in ClinVar:

NM_006231.4(POLE):c.4217T>G (p.Met1406Arg)

Gene: POLE (DNA polymerase epsilon, catalytic subunit; minus strand). Cytogenetic location: 12q24.33.
Variant type: single nucleotide variant.
Coding change: c.4217T>G on transcript NM_006231.4 (MANE Select); coding-DNA position 4217, T replaced by G.
Protein change: p.Met1406Arg; replaces methionine 1406 with arginine.
Molecular consequence: missense variant.
Genome position (GRCh38, 1-based): chr12:132,643,910, A>C on the plus strand (T>G on the coding strand, the complement: POLE is on the minus strand). VCF-style: chr12-132643910-A-C. GRCh37 (hg19) VCF-style: chr12-133220496-A-C.
Other names: short protein forms M1406R.
Identifiers: ClinVar variation 949263 (VCV000949263.11), dbSNP rs749250454, ClinGen allele CA387382184.

ClinVar aggregate classification (germline): Uncertain significance. Review status: criteria provided, multiple submitters, no conflicts (2 of 4 stars). 2 submissions from 2 submitters: Uncertain significance (2). Last evaluated 2025-02-26.

Conditions:
Hereditary cancer-predisposing syndrome. Also called: Hereditary neoplastic syndrome; Neoplastic Syndromes, Hereditary; Tumor predisposition; Hereditary Cancer Syndrome. Identifiers: Orphanet 140162, MedGen C0027672, MeSH D009386, MONDO:0015356.

Submissions (2):

Labcorp Genetics (formerly Invitae), Labcorp
Classification: Uncertain significance. Last evaluated: 2025-02-26. Review status: criteria provided, single submitter. Criteria: Invitae Variant Classification Sherloc (09022015). Collection method: clinical testing. Allele origin: germline.
Comment: This sequence change replaces methionine, which is neutral and non-polar, with arginine, which is basic and polar, at codon 1406 of the POLE protein (p.Met1406Arg). This variant is not present in population databases (gnomAD no frequency). This variant has not been reported in the literature in individuals affected with POLE-related conditions. ClinVar contains an entry for this variant (Variation ID: 949263). Invitae Evidence Modeling of protein sequence and biophysical properties (such as structural, functional, and spatial information, amino acid conservation, physicochemical variation, residue mobility, and thermodynamic stability) indicates that this missense variant is not expected to disrupt POLE protein function with a negative predictive value of 80%. In summary, the available evidence is currently insufficient to determine the role of this variant in disease. Therefore, it has been classified as a Variant of Uncertain Significance.

Ambry Genetics
Classification: Uncertain significance for Hereditary cancer-predisposing syndrome. Last evaluated: 2022-03-15. Review status: criteria provided, single submitter. Criteria: Ambry Variant Classification Scheme 2023. Collection method: clinical testing. Allele origin: germline.
Comment: The p.M1406R variant (also known as c.4217T>G), located in coding exon 33 of the POLE gene, results from a T to G substitution at nucleotide position 4217. The methionine at codon 1406 is replaced by arginine, an amino acid with similar properties. This amino acid position is conserved. In addition, the in silico prediction for this alteration is inconclusive. Since supporting evidence is limited at this time, the clinical significance of this alteration remains unclear.